The following is an entry in ClinVar:

NM_001379403.1(WDR26):c.619A>G (p.Thr207Ala)

Gene: WDR26 (WD repeat domain 26; minus strand). Cytogenetic location: 1q42.12.
Variant type: single nucleotide variant.
Coding change: c.619A>G on transcript NM_001379403.1 (MANE Select); coding-DNA position 619, A replaced by G.
Protein change: p.Thr207Ala; replaces threonine 207 with alanine.
Molecular consequence: missense variant.
Genome position (GRCh38, 1-based): chr1:224,433,787, T>C on the plus strand (A>G on the coding strand, the complement: WDR26 is on the minus strand). VCF-style: chr1-224433787-T-C. GRCh37 (hg19) VCF-style: chr1-224621489-T-C.
Other names: c.319A>G, p.Thr107Ala (NM_001115113.3, NM_025160.7); short protein forms T107A, T207A.
Identifiers: ClinVar variation 5018216 (VCV005018216.1).
Genomic context (GRCh38, chr1:224,433,787, plus strand): 5'-CATCCTCATCTGACTGGGAGAGCCGCTTCTTCTTCTTGAGGCTGCTGCCCAGTTCTGGGG[T>C]GGCCAAGGAAGAGGAGGCGGCGGTGGTGGCGGAGGCAGCTGCGACGGTGGCTGAGGATGC-3'
Protein context (NP_001366332.1, residues 197-217): ATTAASSSLA[Thr207Ala]PELGSSLKKK

ClinVar aggregate classification (germline): Uncertain significance (1 of 4 stars; one submission).

Submission:

GeneDx
Classification: Uncertain significance. Last evaluated: 2026-04-03. Review status: criteria provided, single submitter. Criteria: GeneDx Variant Classification Process June 2021. Collection method: clinical testing. Allele origin: germline.
Comment: Not observed at significant frequency in large population cohorts (gnomAD); In silico analysis suggests that this missense variant does not alter protein structure/function; Has not been previously published as pathogenic or benign to our knowledge